The following is an entry in ClinVar:

ClinVar aggregate classification (germline): Uncertain significance. Review status: criteria provided, multiple submitters, no conflicts (2 of 4 stars). 2 submissions from 2 submitters: Uncertain significance (2). Last evaluated 2024-10-24.

Conditions:
Inborn genetic diseases. Identifiers: MedGen C0950123, MeSH D030342.

Allele frequency attached by ClinVar (database versions not stated): gnomAD exomes 0.00002; ExAC 0.00003; TOPMed 0.00003; gnomAD 0.00005 and 0.00006.

Submissions (2):

Ambry Genetics
Classification: Uncertain significance for Inborn genetic diseases. Last evaluated: 2024-10-24. Review status: criteria provided, single submitter. Criteria: Ambry Variant Classification Scheme 2023. Collection method: clinical testing. Allele origin: germline.

Labcorp Genetics (formerly Invitae), Labcorp
Classification: Uncertain significance. Last evaluated: 2022-06-27. Review status: criteria provided, single submitter. Criteria: Invitae Variant Classification Sherloc (09022015). Collection method: clinical testing. Allele origin: germline.
Comment: This sequence change replaces arginine, which is basic and polar, with tryptophan, which is neutral and slightly polar, at codon 270 of the ADSSL1 protein (p.Arg270Trp). This variant is present in population databases (rs746042337, gnomAD 0.02%). This variant has not been reported in the literature in individuals affected with ADSSL1-related conditions. Algorithms developed to predict the effect of missense changes on protein structure and function are either unavailable or do not agree on the potential impact of this missense change (SIFT: "Not Available"; PolyPhen-2: "Probably Damaging"; Align-GVGD: "Not Available"). In summary, the available evidence is currently insufficient to determine the role of this variant in disease. Therefore, it has been classified as a Variant of Uncertain Significance.

NM_152328.5(ADSS1):c.679C>T (p.Arg227Trp)

Gene: ADSS1 (adenylosuccinate synthase 1; plus strand). Cytogenetic location: 14q32.33.
Variant type: single nucleotide variant.
Coding change: c.679C>T on transcript NM_152328.5 (MANE Select); coding-DNA position 679, C replaced by T.
Protein change: p.Arg227Trp; replaces arginine 227 with tryptophan.
Molecular consequence: missense variant.
Genome position (GRCh38, 1-based): chr14:104,741,129, C>T. VCF-style: chr14-104741129-C-T. GRCh37 (hg19) VCF-style: chr14-105207466-C-T.
Other names: c.64C>T, p.Arg22Trp (NM_001320424.1); c.808C>T, p.Arg270Trp (NM_199165.2); c.808C>T (NM_199165.1); short protein forms R227W, R22W, R270W.
Identifiers: ClinVar variation 1681955 (VCV001681955.6), dbSNP rs746042337, ClinGen allele CA7373808.